The following is an entry in ClinVar:

NM_030653.4(DDX11):c.1932G>A (p.Val644=)

Gene: DDX11 (DEAD/H-box helicase 11; plus strand). Cytogenetic location: 12p11.21.
Variant type: single nucleotide variant.
Coding change: c.1932G>A on transcript NM_030653.4 (MANE Select); coding-DNA position 1932, G replaced by A.
Protein change: p.Val644=; no amino-acid change (valine 644 retained).
Molecular consequence: synonymous variant.
Genome position (GRCh38, 1-based): chr12:31,100,691, G>A. VCF-style: chr12-31100691-G-A. GRCh37 (hg19) VCF-style: chr12-31253625-G-A.
Other names: c.1932G>A, p.Val644= (NM_001257144.2, NM_004399.3, NM_152438.2); c.1854G>A, p.Val618= (NM_001257145.2).
Identifiers: ClinVar variation 737664 (VCV000737664.9), dbSNP rs376513442, ClinGen allele CA6501558.

ClinVar aggregate classification (germline): Likely benign. Review status: criteria provided, multiple submitters, no conflicts (2 of 4 stars). 2 submissions from 2 submitters: Likely benign (2). Last evaluated 2025-12-01.

Allele frequency attached by ClinVar (database versions not stated): ExAC 0.00014; ESP Exome Variant Server 0.00016; TOPMed 0.00023; 1000 Genomes Project 30x 0.00031; gnomAD 0.00038; 1000 Genomes Project 0.00040.
gnomAD v4.1: 112 of 1,552,396 alleles (0.0072%); highest among the groups gnomAD compares: African/African-American, 0.14%; 1 homozygote.

Submissions (2):

CeGaT Center for Human Genetics Tuebingen
Classification: Likely benign. Last evaluated: 2025-12-01. Review status: criteria provided, single submitter. Criteria: CeGaT Center For Human Genetics Tuebingen Variant Classification Criteria Version 2. Collection method: clinical testing. Allele origin: germline. Affected: yes. Observed: 1 variant allele.
Comment: DDX11: BP4, BP7

Labcorp Genetics (formerly Invitae), Labcorp
Classification: Likely benign. Last evaluated: 2019-12-31. Review status: criteria provided, single submitter. Criteria: Invitae Variant Classification Sherloc (09022015). Collection method: clinical testing. Allele origin: germline.